The following is an entry in ClinVar:

NM_001267550.2(TTN):c.71634del (p.Ala23879fs)

Genes: TTN-AS1 (TTN antisense RNA 1; plus strand), TTN (titin; minus strand). Cytogenetic location: 2q31.2.
Variant type: Deletion.
Coding change: c.71634del on transcript NM_001267550.2 (MANE Select); coding-DNA position 71634, one base deleted (A; older notation c.71634delA).
Protein change: p.Ala23879fs; shifts the reading frame from alanine 23879.
Molecular consequence: frameshift variant.
Genome position (GRCh38, 1-based): chr2:178,574,498, T deleted on the plus strand (A on the coding strand, the reverse complement: TTN is on the minus strand); the first of 3 consecutive T bases (chr2:178,574,498-178,574,500); deleting any one gives the same sequence. VCF-style (leftmost placement, unchanged base first): chr2-178574497-CT-C. GRCh37 (hg19) VCF-style: chr2-179439224-CT-C.
Other names: c.44439delA (NM_003319.4); c.63930delA (NM_133378.4); c.66711del, p.Ala22238fs (NM_001256850.1); c.44439del, p.Ala14814fs (NM_003319.4); c.63930del, p.Ala21311fs (NM_133378.4); c.44814del, p.Ala14939fs (NM_133432.3); c.45015del, p.Ala15006fs (NM_133437.4); c.71634delA (NM_001267550.2); short protein forms A15006fs, A21311fs, A22238fs, A14939fs, A14814fs, A23879fs.
Identifiers: ClinVar variation 165852 (VCV000165852.16), dbSNP rs727503565, ClinGen allele CA273255.
Genomic context (GRCh38, chr2:178,574,497, plus strand): 5'-ACTCATAAGCAATACCATCTGTAAGTCCACTTGATTTGAAAATGTTGCCTGGTACTAAAG[CT>C]TTGCTCACAGTCTGCCAGAGAATACCATTTCGTTCTTTTCTTTCAACATGATATCCTAAA-3'

ClinVar aggregate classification (germline): Likely pathogenic. Review status: criteria provided, multiple submitters, no conflicts (2 of 4 stars). 3 submissions from 3 submitters: Likely pathogenic (3). Last evaluated 2025-12-15.

Conditions:
Dilated cardiomyopathy 1G (CMD1G). Identifiers: Orphanet 154, MedGen C1858763, MONDO:0011400, OMIM 604145.
Autosomal recessive limb-girdle muscular dystrophy type 2J (LGMDR10). Also called: Limb-girdle muscular dystrophy, type 2J; MUSCULAR DYSTROPHY, LIMB-GIRDLE, AUTOSOMAL RECESSIVE 10. Identifiers: Orphanet 140922, MedGen C1837342, MONDO:0012127, OMIM 608807.
Cardiovascular phenotype. Identifiers: MedGen CN230736.
Primary dilated cardiomyopathy (DCM). Also called: Dilated Cardiomyopathy. Identifiers: Orphanet 217604, MedGen C0007193, MeSH D002311, MONDO:0005021, HP:0001644. Inheritance: Various modes of inheritance.

Submissions (3):

Labcorp Genetics (formerly Invitae), Labcorp
Classification: Likely pathogenic for Dilated cardiomyopathy 1G; Autosomal recessive limb-girdle muscular dystrophy type 2J. Last evaluated: 2025-12-15. Review status: criteria provided, single submitter. Criteria: Invitae Variant Classification Sherloc (09022015). Collection method: clinical testing. Allele origin: germline.
Comment: This sequence change creates a premature translational stop signal (p.Ala23879Leufs*2) in the TTN gene. While this is not anticipated to result in nonsense mediated decay, it is expected to create a truncated TTN protein. This variant is not present in population databases (gnomAD no frequency). This variant has not been reported in the literature in individuals affected with TTN-related conditions. ClinVar contains an entry for this variant (Variation ID: 165852). This variant is located in the A band of TTN (PMID: 25589632). Truncating variants in this region are significantly overrepresented in patients affected with dilated cardiomyopathy (PMID: 25589632). Truncating variants in this region have also been reported in individuals affected with autosomal recessive centronuclear myopathy (PMID: 23975875). In summary, the currently available evidence indicates that the variant is pathogenic, but additional data are needed to prove that conclusively. Therefore, this variant has been classified as Likely Pathogenic.

Ambry Genetics
Classification: Likely pathogenic for Cardiovascular phenotype. Last evaluated: 2024-10-17. Review status: criteria provided, single submitter. Criteria: Ambry Variant Classification Scheme 2023. Collection method: clinical testing. Allele origin: germline.
Comment: The c.44439delA variant, located in coding exon 153 of the TTN gene, results from a deletion of one nucleotide at nucleotide position 44439, causing a translational frameshift with a predicted alternate stop codon (p.A14814Lfs*2). This exon is located in the A-band region of the N2-B isoform of the titin protein and is constitutively expressed in TTN transcripts (percent spliced in or PSI 100%). This variant is considered to be rare based on population cohorts in the Genome Aggregation Database (gnomAD). This alteration is expected to result in loss of function by premature protein truncation or nonsense-mediated mRNA decay. While truncating variants in TTN are present in 1-3% of the general population, truncating variants in the A-band are the most common cause of dilated cardiomyopathy (DCM) (Herman DS et al. N. Engl. J. Med., 2012 Feb;366:619-28; Roberts AM et al. Sci Transl Med, 2015 Jan;7:270ra6). TTN truncating variants encoded in constitutive exons (PSI >90%) have been found to be significantly associated with DCM regardless of their position in titin (Schafer S et al. Nat. Genet., 2017 01;49:46-53). Based on the majority of available evidence to date, this variant is likely to be pathogenic.

Laboratory for Molecular Medicine, Mass General Brigham Personalized Medicine
Classification: Likely pathogenic for Primary dilated cardiomyopathy. Last evaluated: 2014-06-19. Review status: criteria provided, single submitter. Criteria: LMM Criteria. Collection method: clinical testing. Allele origin: germline. Inheritance: Autosomal dominant inheritance. Observed: 1 variant allele.
Comment: The Ala21311fs variant in TTN has not been reported in individuals with cardiomy opathy and data from large population studies is insufficient to assess its freq uency. This variant is predicted to cause a frameshift, which alters the protein ?s amino acid sequence beginning at position 21311 and lead to a premature termi nation codon 2 amino acids downstream. This alteration is then predicted to lead to a truncated or absent protein. Frameshift and other truncating variants in T TN are strongly associated with DCM and the majority occur in the A-band (Herman 2012, Pugh 2014), where this variant is located. In summary, although additiona l studies are required to fully establish its clinical significance, the Ala2131 1fs variant is likely pathogenic.

Literature cited by the submitters: PubMed 25589632 (cited by Labcorp Genetics (formerly Invitae), Labcorp); PubMed 23975875 (cited by Labcorp Genetics (formerly Invitae), Labcorp).